The following is an entry in ClinVar:

ClinVar aggregate classification (germline): Likely pathogenic (1 of 4 stars; one submission).

Submission:

Dasa
Classification: Likely pathogenic. Last evaluated: 2025-05-29. Review status: criteria provided, single submitter. Criteria: DASA Assertion Criteria. Collection method: clinical testing. Allele origin: germline.
Comment: NM_014028.4(OSTM1):c.247G>T (p.Glu83*) is a nonsense variant in OSTM1 predicted to introduce a premature termination codon and is predicted to result in an absent or altered protein product. Loss of function is an established disease mechanism for OSTM1-associated disorders. Also, this variant is absent from population databases. Based on the currently available evidence, this variant is classified as likely pathogenic.

NM_014028.4(OSTM1):c.247G>T (p.Glu83Ter)

Gene: OSTM1 (osteoclastogenesis associated transmembrane protein 1; minus strand). Cytogenetic location: 6q21.
Variant type: single nucleotide variant.
Coding change: c.247G>T on transcript NM_014028.4 (MANE Select); coding-DNA position 247, G replaced by T.
Protein change: p.Glu83Ter; replaces glutamic acid 83 with a stop codon.
Molecular consequence: nonsense.
Genome position (GRCh38, 1-based): chr6:108,074,405, C>A on the plus strand (G>T on the coding strand, the complement: OSTM1 is on the minus strand). VCF-style: chr6-108074405-C-A. GRCh37 (hg19) VCF-style: chr6-108395609-C-A.
Other names: short protein forms E83*.
Identifiers: ClinVar variation 4880962 (VCV004880962.2).